The following is an entry in ClinVar:

ClinVar aggregate classification (germline): Uncertain significance. Review status: criteria provided, multiple submitters, no conflicts (2 of 4 stars). 2 submissions from 2 submitters: Uncertain significance (2). Last evaluated 2024-04-24.

Conditions:
Endometrial carcinoma. Also called: Endometrial carcinoma, somatic. Identifiers: MedGen C0476089, MONDO:0002447, OMIM 608089, HP:0012114.

Submissions (2):

Labcorp Genetics (formerly Invitae), Labcorp
Classification: Uncertain significance. Last evaluated: 2024-04-24. Review status: criteria provided, single submitter. Criteria: Invitae Variant Classification Sherloc (09022015). Collection method: clinical testing. Allele origin: germline.
Comment: This sequence change replaces leucine, which is neutral and non-polar, with arginine, which is basic and polar, at codon 977 of the MSH3 protein (p.Leu977Arg). This variant is not present in population databases (gnomAD no frequency). This variant has not been reported in the literature in individuals affected with MSH3-related conditions. An algorithm developed to predict the effect of missense changes on protein structure and function (PolyPhen-2) suggests that this variant is likely to be disruptive. In summary, the available evidence is currently insufficient to determine the role of this variant in disease. Therefore, it has been classified as a Variant of Uncertain Significance.

Baylor Genetics
Classification: Uncertain significance for Endometrial carcinoma. Last evaluated: 2023-11-09. Review status: criteria provided, single submitter. Criteria: ACMG Guidelines, 2015. Collection method: clinical testing. Allele origin: unknown.

NM_002439.5(MSH3):c.2930T>G (p.Leu977Arg)

Gene: MSH3 (mutS homolog 3; plus strand). Cytogenetic location: 5q14.1.
Variant type: single nucleotide variant.
Coding change: c.2930T>G on transcript NM_002439.5 (MANE Select); coding-DNA position 2930, T replaced by G.
Protein change: p.Leu977Arg; replaces leucine 977 with arginine.
Molecular consequence: missense variant.
Genome position (GRCh38, 1-based): chr5:80,854,246, T>G. VCF-style: chr5-80854246-T-G. GRCh37 (hg19) VCF-style: chr5-80150065-T-G.
Other names: short protein forms L977R.
Identifiers: ClinVar variation 3239784 (VCV003239784.3), dbSNP rs2478771838.